The following is an entry in ClinVar:

ClinVar aggregate classification (germline): Benign. Review status: criteria provided, multiple submitters, no conflicts (2 of 4 stars). 3 submissions from 3 submitters: Benign (3). Last evaluated 2021-07-10.

Conditions:
Ehlers-Danlos syndrome, dermatosparaxis type. Also called: EDS VIIC; Dermatosparaxis; Ehlers-Danlos syndrome, type VII, autosomal recessive. Identifiers: Orphanet 1901, MedGen C2700425, MONDO:0009161, OMIM 225410.

Allele frequency attached by ClinVar (database versions not stated): gnomAD 0.47199 and 0.47333; TOPMed 0.47693; 1000 Genomes Project 0.52336; 1000 Genomes Project 30x 0.52577.
gnomAD v4.1: 253,439 of 595,320 alleles (43%); highest among the groups gnomAD compares: African/African-American, 67%; 56,712 homozygotes.

Submissions (3):

Genome-Nilou Lab
Classification: Benign for Ehlers-Danlos syndrome, dermatosparaxis type. Last evaluated: 2021-07-10. Review status: criteria provided, single submitter. Criteria: ACMG Guidelines, 2015. Collection method: clinical testing. Allele origin: germline. Affected: no.

GeneDx
Classification: Benign. Last evaluated: 2018-06-23. Review status: criteria provided, single submitter. Criteria: GeneDx Variant Classification Process June 2021. Collection method: clinical testing. Allele origin: germline. Affected: yes.

Illumina Laboratory Services, Illumina
Classification: Benign for Ehlers-Danlos syndrome, dermatosparaxis type. Last evaluated: 2018-01-13. Review status: criteria provided, single submitter. Criteria: ICSL Variant Classification Criteria 13 December 2019. Collection method: clinical testing. Allele origin: germline.
Comment: This variant was observed in the ICSL laboratory as part of a predisposition screen in an ostensibly healthy population. It had not been previously curated by ICSL or reported in the Human Gene Mutation Database (HGMD: prior to June 1st, 2018), and was therefore a candidate for classification through an automated scoring system. Utilizing variant allele frequency, disease prevalence and penetrance estimates, and inheritance mode, an automated score was calculated to assess if this variant is too frequent to cause the disease. Based on the score and internal cut-off values, a variant classified as benign is not then subjected to further curation. The score for this variant resulted in a classification of benign for this disease.

NM_014244.5(ADAMTS2):c.*212A>C

Gene: ADAMTS2 (ADAM metallopeptidase with thrombospondin type 1 motif 2; minus strand). Cytogenetic location: 5q35.3.
Variant type: single nucleotide variant.
Coding change: c.*212A>C on transcript NM_014244.5 (MANE Select); 212 bases downstream of the stop codon, A replaced by C.
Molecular consequence: 3 prime UTR variant.
Genome position (GRCh38, 1-based): chr5:179,113,655, T>G on the plus strand (A>C on the coding strand, the complement: ADAMTS2 is on the minus strand). VCF-style: chr5-179113655-T-G. GRCh37 (hg19) VCF-style: chr5-178540656-T-G.
Identifiers: ClinVar variation 353080 (VCV000353080.10), dbSNP rs10479525, ClinGen allele CA10624385.